The following is an entry in ClinVar:

NM_005033.3(EXOSC9):c.1019G>T (p.Gly340Val)

Gene: EXOSC9 (exosome component 9; plus strand). Cytogenetic location: 4q27.
Variant type: single nucleotide variant.
Coding change: c.1019G>T on transcript NM_005033.3 (MANE Select); coding-DNA position 1019, G replaced by T.
Protein change: p.Gly340Val; replaces glycine 340 with valine.
Molecular consequence: missense variant.
Genome position (GRCh38, 1-based): chr4:121,813,910, G>T. VCF-style: chr4-121813910-G-T. GRCh37 (hg19) VCF-style: chr4-122735065-G-T.
Other names: c.1019G>T, p.Gly340Val (NM_001034194.2); short protein forms G340V.
Identifiers: ClinVar variation 1476928 (VCV001476928.4), dbSNP rs542804602, ClinGen allele CA3063604.

ClinVar aggregate classification (germline): Uncertain significance (1 of 4 stars; one submission).

Allele frequency attached by ClinVar (database versions not stated): TOPMed 0.00001; ExAC 0.00002; gnomAD exomes 0.00002; gnomAD 0.00004.
gnomAD v4.1: 40 of 1,613,344 alleles (0.0025%); highest among the groups gnomAD compares: Non-Finnish European, 0.0032%; no homozygotes.

Submission:

Labcorp Genetics (formerly Invitae), Labcorp
Classification: Uncertain significance. Last evaluated: 2023-08-28. Review status: criteria provided, single submitter. Criteria: Invitae Variant Classification Sherloc (09022015). Collection method: clinical testing. Allele origin: germline.
Comment: In summary, the available evidence is currently insufficient to determine the role of this variant in disease. Therefore, it has been classified as a Variant of Uncertain Significance. Advanced modeling of protein sequence and biophysical properties (such as structural, functional, and spatial information, amino acid conservation, physicochemical variation, residue mobility, and thermodynamic stability) performed at Invitae indicates that this missense variant is expected to disrupt EXOSC9 protein function. ClinVar contains an entry for this variant (Variation ID: 1476928). This variant has not been reported in the literature in individuals affected with EXOSC9-related conditions. This variant is present in population databases (rs542804602, gnomAD 0.004%). This sequence change replaces glycine, which is neutral and non-polar, with valine, which is neutral and non-polar, at codon 340 of the EXOSC9 protein (p.Gly340Val).